The following is an entry in ClinVar:

ClinVar aggregate classification (germline): Benign/Likely benign. Review status: criteria provided, multiple submitters, no conflicts (2 of 4 stars). 7 submissions from 7 submitters: Benign (3); Likely benign (4). Last evaluated 2026-01-12.

Allele frequency attached by ClinVar (database versions not stated): ESP Exome Variant Server 0.00054; 1000 Genomes Project 0.00060; 1000 Genomes Project 30x 0.00062; gnomAD 0.00070 and 0.00072; TOPMed 0.00079; ExAC 0.00082; gnomAD exomes 0.00083 and 0.00094.
gnomAD v4.1: 1,455 of 1,613,546 alleles (0.09%); highest among the groups gnomAD compares: Admixed American, 0.17%; 1 homozygote.

Submissions (7):

Labcorp Genetics (formerly Invitae), Labcorp
Classification: Benign. Last evaluated: 2026-01-12. Review status: criteria provided, single submitter. Criteria: Invitae Variant Classification Sherloc (09022015). Collection method: clinical testing. Allele origin: germline.

CeGaT Center for Human Genetics Tuebingen
Classification: Likely benign. Last evaluated: 2026-01-01. Review status: criteria provided, single submitter. Criteria: CeGaT Center For Human Genetics Tuebingen Variant Classification Criteria Version 2. Collection method: clinical testing. Allele origin: germline. Affected: yes. Observed: 14 variant alleles.
Comment: SCN3A: BP4, BP7, BS1

ARUP Laboratories, Molecular Genetics and Genomics, ARUP Laboratories
Classification: Benign. Last evaluated: 2025-03-06. Review status: criteria provided, single submitter. Criteria: ARUP Molecular Germline Variant Investigation Process 2024. Collection method: clinical testing. Allele origin: germline.

Blueprint Genetics
Classification: Likely benign. Last evaluated: 2024-11-04. Review status: criteria provided, single submitter. Criteria: ACMG Guidelines, 2015. Collection method: clinical testing. Allele origin: germline.

Athena Diagnostics
Classification: Benign. Last evaluated: 2019-01-07. Review status: criteria provided, single submitter. Criteria: Athena Diagnostics Criteria. Collection method: clinical testing. Allele origin: germline.

Eurofins Ntd Llc (ga)
Classification: Likely benign. Last evaluated: 2017-11-08. Review status: criteria provided, single submitter. Criteria: EGL Classification Definitions 2015. Collection method: clinical testing. Allele origin: germline. Observed: 1 variant allele, 1 heterozygote.

Breakthrough Genomics
Classification: Likely benign. Review status: criteria provided, single submitter. Criteria: ACMG Guidelines, 2015. Collection method: not provided. Allele origin: germline. Inheritance: Autosomal dominant inheritance. Affected: yes.

NM_006922.4(SCN3A):c.2304T>C (p.Ile768=)

Gene: SCN3A (sodium voltage-gated channel alpha subunit 3; minus strand). Cytogenetic location: 2q24.3.
Variant type: single nucleotide variant.
Coding change: c.2304T>C on transcript NM_006922.4 (MANE Select); coding-DNA position 2304, T replaced by C.
Protein change: p.Ile768=; no amino-acid change (isoleucine 768 retained).
Molecular consequence: synonymous variant.
Genome position (GRCh38, 1-based): chr2:165,137,966, A>G on the plus strand (T>C on the coding strand, the complement: SCN3A is on the minus strand). VCF-style: chr2-165137966-A-G. GRCh37 (hg19) VCF-style: chr2-165994476-A-G.
Other names: c.2157T>C, p.Ile719= (NM_001081676.2, NM_001081677.2).
Identifiers: ClinVar variation 594575 (VCV000594575.48), dbSNP rs72870766, ClinGen allele CA1938983.